The following is an entry in ClinVar:

ClinVar aggregate classification (germline): Likely pathogenic (1 of 4 stars; one submission).

Conditions:
Progressive myoclonic epilepsy type 7. Identifiers: Orphanet 435438, MedGen C4015420, MONDO:0014521, OMIM 616187.

Allele frequency attached by ClinVar (database versions not stated): gnomAD exomes below 0.00001; ExAC 0.00002.

Submission:

3billion
Classification: Likely pathogenic for Progressive myoclonic epilepsy type 7. Last evaluated: 2021-10-02. Review status: criteria provided, single submitter. Criteria: ACMG Guidelines, 2015. Collection method: clinical testing. Allele origin: paternal. Affected: yes. Observed: 1 heterozygote.
Comment: It is not observed in the gnomAD v2.1.1 dataset (PM2). Missense changes are a common disease-causing mechanism (PP2). In silico tool predictions suggest damaging effect of the variant on gene or gene product (REVEL: 0.795, 3Cnet: 0.771, PP3). Patient's phenotype is considered compatible with Epilepsy, progressive myoclonic 7 (3billion dataset, PP4). Therefore, this variant is classified as likely pathogenic according to the recommendation of ACMG/AMP guideline.

NM_001112741.2(KCNC1):c.490C>T (p.Arg164Trp)

Gene: KCNC1 (potassium voltage-gated channel subfamily C member 1; plus strand). Cytogenetic location: 11p15.1.
Variant type: single nucleotide variant.
Coding change: c.490C>T on transcript NM_001112741.2 (MANE Select); coding-DNA position 490, C replaced by T.
Protein change: p.Arg164Trp; replaces arginine 164 with tryptophan.
Molecular consequence: missense variant.
Genome position (GRCh38, 1-based): chr11:17,736,492, C>T. VCF-style: chr11-17736492-C-T. GRCh37 (hg19) VCF-style: chr11-17758039-C-T.
Other names: c.490C>T, p.Arg164Trp (NM_004976.4); short protein forms R164W.
Identifiers: ClinVar variation 1320194 (VCV001320194.1), dbSNP rs756544748, ClinGen allele CA5906683.